The following is an entry in ClinVar:

ClinVar aggregate classification (germline): Uncertain significance. Review status: criteria provided, multiple submitters, no conflicts (2 of 4 stars). 2 submissions from 2 submitters: Uncertain significance (2). Last evaluated 2025-12-19.

Conditions:
Brugada syndrome 8 (BRGDA8). Identifiers: Orphanet 130, MedGen C2751083, MONDO:0013148, OMIM 613123.
Cardiovascular phenotype. Identifiers: MedGen CN230736.

Submissions (2):

Labcorp Genetics (formerly Invitae), Labcorp
Classification: Uncertain significance for Brugada syndrome 8. Last evaluated: 2025-12-19. Review status: criteria provided, single submitter. Criteria: Invitae Variant Classification Sherloc (09022015). Collection method: clinical testing. Allele origin: germline.
Comment: This sequence change replaces alanine, which is neutral and non-polar, with glycine, which is neutral and non-polar, at codon 1014 of the HCN4 protein (p.Ala1014Gly). This variant is not present in population databases (gnomAD no frequency). This variant has not been reported in the literature in individuals affected with HCN4-related conditions. ClinVar contains an entry for this variant (Variation ID: 567963). Invitae Evidence Modeling of protein sequence and biophysical properties (such as structural, functional, and spatial information, amino acid conservation, physicochemical variation, residue mobility, and thermodynamic stability) indicates that this missense variant is not expected to disrupt HCN4 protein function with a negative predictive value of 95%. In summary, the available evidence is currently insufficient to determine the role of this variant in disease. Therefore, it has been classified as a Variant of Uncertain Significance.

Ambry Genetics
Classification: Uncertain significance for Cardiovascular phenotype. Last evaluated: 2025-02-22. Review status: criteria provided, single submitter. Criteria: Ambry Variant Classification Scheme 2023. Collection method: clinical testing. Allele origin: germline.
Comment: The p.A1014G variant (also known as c.3041C>G), located in coding exon 8 of the HCN4 gene, results from a C to G substitution at nucleotide position 3041. The alanine at codon 1014 is replaced by glycine, an amino acid with similar properties. This amino acid position is conserved. In addition, the in silico prediction for this alteration is inconclusive. Based on the available evidence, the clinical significance of this variant remains unclear.

NM_005477.3(HCN4):c.3041C>G (p.Ala1014Gly)

Gene: HCN4 (hyperpolarization activated cyclic nucleotide gated potassium channel 4; minus strand). Cytogenetic location: 15q24.1.
Variant type: single nucleotide variant.
Coding change: c.3041C>G on transcript NM_005477.3 (MANE Select); coding-DNA position 3041, C replaced by G.
Protein change: p.Ala1014Gly; replaces alanine 1014 with glycine.
Molecular consequence: missense variant.
Genome position (GRCh38, 1-based): chr15:73,323,052, G>C on the plus strand (C>G on the coding strand, the complement: HCN4 is on the minus strand). VCF-style: chr15-73323052-G-C. GRCh37 (hg19) VCF-style: chr15-73615393-G-C.
Other names: short protein forms A1014G.
Identifiers: ClinVar variation 567963 (VCV000567963.9), dbSNP rs1567767635, ClinGen allele CA393086359.